The following is an entry in ClinVar:

ClinVar aggregate classification (germline): Likely benign. Review status: criteria provided, multiple submitters, no conflicts (2 of 4 stars). 6 submissions from 6 submitters: Likely benign (6). Last evaluated 2026-01-28.

Conditions:
Cardiovascular phenotype. Identifiers: MedGen CN230736.
TTN-related disorder. Also called: TTN-related condition; TTN-related disease; TTN-related disorders.
Autosomal recessive limb-girdle muscular dystrophy type 2J (LGMDR10). Also called: Limb-girdle muscular dystrophy, type 2J; MUSCULAR DYSTROPHY, LIMB-GIRDLE, AUTOSOMAL RECESSIVE 10. Identifiers: Orphanet 140922, MedGen C1837342, MONDO:0012127, OMIM 608807.
Dilated cardiomyopathy 1G (CMD1G). Identifiers: Orphanet 154, MedGen C1858763, MONDO:0011400, OMIM 604145.

Allele frequency attached by ClinVar (database versions not stated): gnomAD 0.00004; TOPMed 0.00006; ESP Exome Variant Server 0.00016.
gnomAD v4.1: 81 of 1,604,378 alleles (0.005%); highest among the groups gnomAD compares: East Asian, 0.056%; no homozygotes.

Submissions (6):

Labcorp Genetics (formerly Invitae), Labcorp
Classification: Likely benign for Dilated cardiomyopathy 1G; Autosomal recessive limb-girdle muscular dystrophy type 2J. Last evaluated: 2026-01-28. Review status: criteria provided, single submitter. Criteria: Invitae Variant Classification Sherloc (09022015). Collection method: clinical testing. Allele origin: germline.

PreventionGenetics, part of Exact Sciences
Classification: Likely benign for TTN-related condition. Last evaluated: 2025-09-04. Review status: criteria provided, single submitter. Criteria: ACMG Guidelines, 2015. Collection method: clinical testing. Allele origin: germline.
Comment: This variant is classified as likely benign based on ACMG/AMP sequence variant interpretation guidelines (Richards et al. 2015 PMID: 25741868, with internal and published modifications).

ARUP Laboratories, Molecular Genetics and Genomics, ARUP Laboratories
Classification: Likely benign. Last evaluated: 2025-04-08. Review status: criteria provided, single submitter. Criteria: ARUP Molecular Germline Variant Investigation Process 2024. Collection method: clinical testing. Allele origin: germline.

Blueprint Genetics
Classification: Likely benign. Last evaluated: 2024-06-27. Review status: criteria provided, single submitter. Criteria: ACMG Guidelines, 2015. Collection method: clinical testing. Allele origin: germline.

Ambry Genetics
Classification: Likely benign for Cardiovascular phenotype. Last evaluated: 2020-11-12. Review status: criteria provided, single submitter. Criteria: Ambry Variant Classification Scheme 2023. Collection method: clinical testing. Allele origin: germline.

Eurofins Ntd Llc (ga)
Classification: Likely benign. Last evaluated: 2017-04-06. Review status: criteria provided, single submitter. Criteria: EGL Classification Definitions 2015. Collection method: clinical testing. Allele origin: germline. Observed: 1 variant allele, 1 heterozygote.

NM_001267550.2(TTN):c.89229C>T (p.Ile29743=)

Genes: TTN-AS1 (TTN antisense RNA 1; plus strand), TTN (titin; minus strand). Cytogenetic location: 2q31.2.
Variant type: single nucleotide variant.
Coding change: c.89229C>T on transcript NM_001267550.2 (MANE Select); coding-DNA position 89229, C replaced by T.
Protein change: p.Ile29743=; no amino-acid change (isoleucine 29743 retained).
Molecular consequence: synonymous variant.
Genome position (GRCh38, 1-based): chr2:178,553,776, G>A on the plus strand (C>T on the coding strand, the complement: TTN is on the minus strand). VCF-style: chr2-178553776-G-A. GRCh37 (hg19) VCF-style: chr2-179418503-G-A.
Other names: c.84306C>T, p.Ile28102= (NM_001256850.1); c.62034C>T, p.Ile20678= (NM_003319.4); c.81525C>T, p.Ile27175= (NM_133378.4); c.62409C>T, p.Ile20803= (NM_133432.3); c.62610C>T, p.Ile20870= (NM_133437.4).
Identifiers: ClinVar variation 467619 (VCV000467619.20), dbSNP rs376853821, ClinGen allele CA1987959.